The following is an entry in ClinVar:

NM_024529.5(CDC73):c.1147G>C (p.Asp383His)

Gene: CDC73 (cell division cycle 73; plus strand). Cytogenetic location: 1q31.2.
Variant type: single nucleotide variant.
Coding change: c.1147G>C on transcript NM_024529.5 (MANE Select); coding-DNA position 1147, G replaced by C.
Protein change: p.Asp383His; replaces aspartic acid 383 with histidine.
Molecular consequence: missense variant.
Genome position (GRCh38, 1-based): chr1:193,212,470, G>C. VCF-style: chr1-193212470-G-C. GRCh37 (hg19) VCF-style: chr1-193181600-G-C.
Other names: short protein forms D383H.
Identifiers: ClinVar variation 2831363 (VCV002831363.3), dbSNP rs2527456841, ClinGen allele CA344077678.

ClinVar aggregate classification (germline): Uncertain significance (1 of 4 stars; one submission).

Conditions:
Parathyroid carcinoma (PRTC). Also called: CDC73-Related Parathyroid Carcinoma; Parathyroid gland carcinoma. Identifiers: Orphanet 143, MedGen C0687150, MONDO:0012004, OMIM 608266, HP:0006780.

Submission:

Labcorp Genetics (formerly Invitae), Labcorp
Classification: Uncertain significance for Parathyroid carcinoma. Last evaluated: 2023-01-23. Review status: criteria provided, single submitter. Criteria: Invitae Variant Classification Sherloc (09022015). Collection method: clinical testing. Allele origin: germline.
Comment: In summary, the available evidence is currently insufficient to determine the role of this variant in disease. Therefore, it has been classified as a Variant of Uncertain Significance. Advanced modeling of protein sequence and biophysical properties (such as structural, functional, and spatial information, amino acid conservation, physicochemical variation, residue mobility, and thermodynamic stability) performed at Invitae indicates that this missense variant is expected to disrupt CDC73 protein function. This variant has not been reported in the literature in individuals affected with CDC73-related conditions. This variant is not present in population databases (gnomAD no frequency). This sequence change replaces aspartic acid, which is acidic and polar, with histidine, which is basic and polar, at codon 383 of the CDC73 protein (p.Asp383His).